The following is an entry in ClinVar:

NM_005573.4(LMNB1):c.247G>C (p.Glu83Gln)

Gene: LMNB1 (lamin B1; plus strand). Cytogenetic location: 5q23.2.
Variant type: single nucleotide variant.
Coding change: c.247G>C on transcript NM_005573.4 (MANE Select); coding-DNA position 247, G replaced by C.
Protein change: p.Glu83Gln; replaces glutamic acid 83 with glutamine.
Molecular consequence: missense variant. On other transcripts: non-coding transcript variant (2), intron variant (1).
Genome position (GRCh38, 1-based): chr5:126,777,755, G>C. VCF-style: chr5-126777755-G-C. GRCh37 (hg19) VCF-style: chr5-126113447-G-C.
Other names: c.-272+511G>C (NM_001198557.2); short protein forms E83Q.
Identifiers: ClinVar variation 4534650 (VCV004534650.6).

ClinVar aggregate classification (germline): Uncertain significance (1 of 4 stars; one submission).

gnomAD v4.1: 1 of 1,528,656 alleles (0.000065%); no homozygotes.

Submission:

CeGaT Center for Human Genetics Tuebingen
Classification: Uncertain significance. Last evaluated: 2025-09-01. Review status: criteria provided, single submitter. Criteria: CeGaT Center For Human Genetics Tuebingen Variant Classification Criteria Version 2. Collection method: clinical testing. Allele origin: germline. Affected: yes. Observed: 1 variant allele.
Comment: LMNB1: PM2, PP3